The following is an entry in ClinVar:

ClinVar aggregate classification (germline): Uncertain significance. Review status: criteria provided, multiple submitters, no conflicts (2 of 4 stars). 2 submissions from 2 submitters: Uncertain significance (2). Last evaluated 2026-09-01.

Allele frequency attached by ClinVar (database versions not stated): gnomAD exomes 0.00006 and 0.00009; ExAC 0.00008; gnomAD 0.00009 and 0.00011; TOPMed 0.00009; ESP Exome Variant Server 0.00023.
gnomAD v4.1: 110 of 1,613,878 alleles (0.0068%); highest among the groups gnomAD compares: South Asian, 0.043%; no homozygotes.

Submissions (2):

CeGaT Center for Human Genetics Tuebingen
Classification: Uncertain significance. Last evaluated: 2026-09-01. Review status: criteria provided, single submitter. Criteria: CeGaT Center For Human Genetics Tuebingen Variant Classification Criteria Version 2. Collection method: clinical testing. Allele origin: germline. Affected: yes. Observed: 2 variant alleles.
Comment: NLRP1: PM2, BP4

Labcorp Genetics (formerly Invitae), Labcorp
Classification: Uncertain significance. Last evaluated: 2025-12-11. Review status: criteria provided, single submitter. Criteria: Invitae Variant Classification Sherloc (09022015). Collection method: clinical testing. Allele origin: germline.
Comment: This sequence change replaces alanine, which is neutral and non-polar, with valine, which is neutral and non-polar, at codon 436 of the NLRP1 protein (p.Ala436Val). This variant is present in population databases (rs150958602, gnomAD 0.04%). This variant has not been reported in the literature in individuals affected with NLRP1-related conditions. ClinVar contains an entry for this variant (Variation ID: 1346542). An algorithm developed to predict the effect of missense changes on protein structure and function outputs the following: PolyPhen-2: "Benign". The valine amino acid residue is found in multiple mammalian species, which suggests that this missense change does not adversely affect protein function. In summary, the available evidence is currently insufficient to determine the role of this variant in disease. Therefore, it has been classified as a Variant of Uncertain Significance.

NM_033004.4(NLRP1):c.1307C>T (p.Ala436Val)

Gene: NLRP1 (NLR family pyrin domain containing 1; minus strand). Cytogenetic location: 17p13.2.
Variant type: single nucleotide variant.
Coding change: c.1307C>T on transcript NM_033004.4 (MANE Select); coding-DNA position 1307, C replaced by T.
Protein change: p.Ala436Val; replaces alanine 436 with valine.
Molecular consequence: missense variant.
Genome position (GRCh38, 1-based): chr17:5,559,389, G>A on the plus strand (C>T on the coding strand, the complement: NLRP1 is on the minus strand). VCF-style: chr17-5559389-G-A. GRCh37 (hg19) VCF-style: chr17-5462709-G-A.
Other names: c.1307C>T, p.Ala436Val (NM_001033053.3, NM_014922.5, NM_033006.4 and 1 more transcripts); short protein forms A436V.
Identifiers: ClinVar variation 1346542 (VCV001346542.39), dbSNP rs150958602, ClinGen allele CA8327389.